The following is an entry in ClinVar:

NM_000057.4(BLM):c.217T>C (p.Phe73Leu)

Gene: BLM (BLM RecQ like helicase; plus strand). Cytogenetic location: 15q26.1.
Variant type: single nucleotide variant.
Coding change: c.217T>C on transcript NM_000057.4 (MANE Select); coding-DNA position 217, T replaced by C.
Protein change: p.Phe73Leu; replaces phenylalanine 73 with leucine.
Molecular consequence: missense variant. On other transcripts: 5 prime UTR variant (1).
Genome position (GRCh38, 1-based): chr15:90,749,485, T>C. VCF-style: chr15-90749485-T-C. GRCh37 (hg19) VCF-style: chr15-91292715-T-C.
Other names: c.217T>C, p.Phe73Leu (NM_001287246.2, NM_001287247.2); c.-1075T>C (NM_001287248.2); short protein forms F73L.
Identifiers: ClinVar variation 3717033 (VCV003717033.2).
Genomic context (GRCh38, chr15:90,749,485, plus strand): 5'-TCAGTAGCAAAAACACCTGTATTAAGAAATAAAGATGTTAATGTTACCGAAGACTTTTCC[T>C]TCAGTGAACCTCTACCCAACACCACAAATCAGCAAAGGGTCAAGGACTTCTTTAAAAATG-3'
Protein context (NP_000048.1, residues 63-83): KDVNVTEDFS[Phe73Leu]SEPLPNTTNQ

ClinVar aggregate classification (germline): Uncertain significance (1 of 4 stars; one submission).

Conditions:
Bloom syndrome (BLM). Also called: Bloom-Torre-Machacek syndrome. Identifiers: Orphanet 125, MedGen C0005859, MONDO:0008876, OMIM 210900.

Submission:

Labcorp Genetics (formerly Invitae), Labcorp
Classification: Uncertain significance for Bloom syndrome. Last evaluated: 2025-03-20. Review status: criteria provided, single submitter. Criteria: Invitae Variant Classification Sherloc (09022015). Collection method: clinical testing. Allele origin: germline.
Comment: This sequence change replaces phenylalanine, which is neutral and non-polar, with leucine, which is neutral and non-polar, at codon 73 of the BLM protein (p.Phe73Leu). This variant is not present in population databases (gnomAD no frequency). This variant has not been reported in the literature in individuals affected with BLM-related conditions. An algorithm developed to predict the effect of missense changes on protein structure and function outputs the following: PolyPhen-2: "Benign". The leucine amino acid residue is found in multiple mammalian species, which suggests that this missense change does not adversely affect protein function. In summary, the available evidence is currently insufficient to determine the role of this variant in disease. Therefore, it has been classified as a Variant of Uncertain Significance.